The following is an entry in ClinVar:

NM_170606.3(KMT2C):c.13902G>T (p.Trp4634Cys)

Gene: KMT2C (lysine methyltransferase 2C; minus strand). Cytogenetic location: 7q36.1.
Variant type: single nucleotide variant.
Coding change: c.13902G>T on transcript NM_170606.3 (MANE Select); coding-DNA position 13902, G replaced by T.
Protein change: p.Trp4634Cys; replaces tryptophan 4634 with cysteine.
Molecular consequence: missense variant.
Genome position (GRCh38, 1-based): chr7:152,146,728, C>A on the plus strand (G>T on the coding strand, the complement: KMT2C is on the minus strand). VCF-style: chr7-152146728-C-A. GRCh37 (hg19) VCF-style: chr7-151843813-C-A.
Other names: short protein forms W4634C.
Identifiers: ClinVar variation 3365445 (VCV003365445.1).

ClinVar aggregate classification (germline): Uncertain significance (1 of 4 stars; one submission).

Submission:

GeneDx
Classification: Uncertain significance. Last evaluated: 2023-12-12. Review status: criteria provided, single submitter. Criteria: GeneDx Variant Classification Process June 2021. Collection method: clinical testing. Allele origin: germline. Affected: yes.
Comment: Not observed at significant frequency in large population cohorts (gnomAD); In silico analysis supports that this missense variant has a deleterious effect on protein structure/function; Has not been previously published as pathogenic or benign to our knowledge